The following is an entry in ClinVar:

NM_001909.5(CTSD):c.471+15G>C

Gene: CTSD (cathepsin D; minus strand). Cytogenetic location: 11p15.5.
Variant type: single nucleotide variant.
Coding change: c.471+15G>C on transcript NM_001909.5 (MANE Select); 15 bases into the intron after coding-DNA position 471, G replaced by C.
Molecular consequence: intron variant.
Genome position (GRCh38, 1-based): chr11:1,758,954, C>G on the plus strand (G>C on the coding strand, the complement: CTSD is on the minus strand). VCF-style: chr11-1758954-C-G. GRCh37 (hg19) VCF-style: chr11-1780184-C-G.
Identifiers: ClinVar variation 137058 (VCV000137058.9), dbSNP rs201413619, ClinGen allele CA290553.

ClinVar aggregate classification (germline): Benign/Likely benign. Review status: criteria provided, multiple submitters, no conflicts (2 of 4 stars). 3 submissions from 3 submitters: Benign (1); Likely benign (2). Last evaluated 2026-01-19.

Conditions:
Neuronal ceroid lipofuscinosis. Also called: Neuronal Ceroid Lipofuscinoses. Identifiers: Orphanet 216, Orphanet 79263, MedGen C0027877, MONDO:0016295. Disease mechanism: loss of function.

Allele frequency attached by ClinVar (database versions not stated): ExAC 0.00003; gnomAD exomes 0.00006 and 0.00027; TOPMed 0.00006; gnomAD 0.00008.
gnomAD v4.1: 389 of 1,565,766 alleles (0.025%); highest among the groups gnomAD compares: Non-Finnish European, 0.033%; no homozygotes.

Submissions (3):

Labcorp Genetics (formerly Invitae), Labcorp
Classification: Likely benign for Neuronal ceroid lipofuscinosis. Last evaluated: 2026-01-19. Review status: criteria provided, single submitter. Criteria: Invitae Variant Classification Sherloc (09022015). Collection method: clinical testing. Allele origin: germline.

Blueprint Genetics
Classification: Likely benign. Last evaluated: 2024-07-11. Review status: criteria provided, single submitter. Criteria: ACMG Guidelines, 2015. Collection method: clinical testing. Allele origin: germline.

GeneDx
Classification: Benign. Last evaluated: 2013-01-29. Review status: criteria provided, single submitter. Criteria: GeneDx Variant Classification (06012015). Collection method: clinical testing. Allele origin: germline. Affected: yes.
Comment: This variant is considered likely benign or benign based on one or more of the following criteria: it is a conservative change, it occurs at a poorly conserved position in the protein, it is predicted to be benign by multiple in silico algorithms, and/or has population frequency not consistent with disease.